The following is an entry in ClinVar:

NM_020821.3(VPS13C):c.10017G>C (p.Leu3339Phe)

Gene: VPS13C (vacuolar protein sorting 13 homolog C; minus strand). Cytogenetic location: 15q22.2.
Variant type: single nucleotide variant.
Coding change: c.10017G>C on transcript NM_020821.3 (MANE Select); coding-DNA position 10017, G replaced by C.
Protein change: p.Leu3339Phe; replaces leucine 3339 with phenylalanine.
Molecular consequence: missense variant.
Genome position (GRCh38, 1-based): chr15:61,878,732, C>G on the plus strand (G>C on the coding strand, the complement: VPS13C is on the minus strand). VCF-style: chr15-61878732-C-G. GRCh37 (hg19) VCF-style: chr15-62170931-C-G.
Other names: c.10017G>C, p.Leu3339Phe (NM_001018088.3); c.9888G>C, p.Leu3296Phe (NM_017684.5, NM_018080.4); short protein forms L3296F, L3339F.
Identifiers: ClinVar variation 2105726 (VCV002105726.4), dbSNP rs1169528013, ClinGen allele CA392672271.

ClinVar aggregate classification (germline): Uncertain significance (1 of 4 stars; one submission).

Submission:

Labcorp Genetics (formerly Invitae), Labcorp
Classification: Uncertain significance. Last evaluated: 2022-03-02. Review status: criteria provided, single submitter. Criteria: Invitae Variant Classification Sherloc (09022015). Collection method: clinical testing. Allele origin: germline.
Comment: This variant has not been reported in the literature in individuals affected with VPS13C-related conditions. This variant is not present in population databases (gnomAD no frequency). This sequence change replaces leucine, which is neutral and non-polar, with phenylalanine, which is neutral and non-polar, at codon 3339 of the VPS13C protein (p.Leu3339Phe). Algorithms developed to predict the effect of missense changes on protein structure and function are either unavailable or do not agree on the potential impact of this missense change (SIFT: "Tolerated"; PolyPhen-2: "Probably Damaging"; Align-GVGD: "Class C0"). In summary, the available evidence is currently insufficient to determine the role of this variant in disease. Therefore, it has been classified as a Variant of Uncertain Significance.